The following is an entry in ClinVar:

ClinVar aggregate classification (germline): Uncertain significance (1 of 4 stars; one submission).

Submission:

Labcorp Genetics (formerly Invitae), Labcorp
Classification: Uncertain significance. Last evaluated: 2021-11-10. Review status: criteria provided, single submitter. Criteria: Invitae Variant Classification Sherloc (09022015). Collection method: clinical testing. Allele origin: germline.
Comment: This sequence change replaces glutamic acid, which is acidic and polar, with glycine, which is neutral and non-polar, at codon 82 of the NFE2L2 protein (p.Glu82Gly). This variant is not present in population databases (gnomAD no frequency). This variant has not been reported in the literature in individuals affected with NFE2L2-related conditions. Algorithms developed to predict the effect of missense changes on protein structure and function (SIFT, PolyPhen-2, Align-GVGD) all suggest that this variant is likely to be disruptive. In summary, the available evidence is currently insufficient to determine the role of this variant in disease. Therefore, it has been classified as a Variant of Uncertain Significance.

NM_006164.5(NFE2L2):c.245A>G (p.Glu82Gly)

Gene: NFE2L2 (NFE2 like bZIP transcription factor 2; minus strand). Cytogenetic location: 2q31.2.
Variant type: single nucleotide variant.
Coding change: c.245A>G on transcript NM_006164.5 (MANE Select); coding-DNA position 245, A replaced by G.
Protein change: p.Glu82Gly; replaces glutamic acid 82 with glycine.
Molecular consequence: missense variant. On other transcripts: intron variant (2).
Genome position (GRCh38, 1-based): chr2:177,234,072, T>C on the plus strand (A>G on the coding strand, the complement: NFE2L2 is on the minus strand). VCF-style: chr2-177234072-T-C. GRCh37 (hg19) VCF-style: chr2-178098800-T-C.
Other names: c.197A>G, p.Glu66Gly (NM_001145412.3, NM_001145413.3, NM_001313900.1 and 1 more transcripts); c.245A>G, p.Glu82Gly (NM_001313902.2); c.12+4A>G (NM_001313904.1); c.93+152A>G (NM_001313903.2); short protein forms E66G, E82G.
Identifiers: ClinVar variation 1392454 (VCV001392454.6), dbSNP rs2105458498, ClinGen allele CA349380419.